The following is an entry in ClinVar:

ClinVar aggregate classification (germline): Likely benign. Review status: criteria provided, multiple submitters, no conflicts (2 of 4 stars). 2 submissions from 2 submitters: Likely benign (2). Last evaluated 2025-06-29.

Conditions:
SNRNP200-related disorder. Also called: SNRNP200-related condition.

gnomAD v4.1: 31 of 1,613,882 alleles (0.0019%); highest among the groups gnomAD compares: Admixed American, 0.0083%; no homozygotes.

Submissions (2):

Labcorp Genetics (formerly Invitae), Labcorp
Classification: Likely benign. Last evaluated: 2025-06-29. Review status: criteria provided, single submitter. Criteria: Invitae Variant Classification Sherloc (09022015). Collection method: clinical testing. Allele origin: germline.

PreventionGenetics, part of Exact Sciences
Classification: Likely benign for SNRNP200-related condition. Last evaluated: 2025-03-17. Review status: criteria provided, single submitter. Criteria: ACMG Guidelines, 2015. Collection method: clinical testing. Allele origin: germline.
Comment: This variant is classified as likely benign based on ACMG/AMP sequence variant interpretation guidelines (Richards et al. 2015 PMID: 25741868, with internal and published modifications).

NM_014014.5(SNRNP200):c.4164+8G>T

Gene: SNRNP200 (small nuclear ribonucleoprotein U5 subunit 200; minus strand). Cytogenetic location: 2q11.2.
Variant type: single nucleotide variant.
Coding change: c.4164+8G>T on transcript NM_014014.5 (MANE Select); 8 bases into the intron after coding-DNA position 4164, G replaced by T.
Molecular consequence: intron variant.
Genome position (GRCh38, 1-based): chr2:96,285,172, C>A on the plus strand (G>T on the coding strand, the complement: SNRNP200 is on the minus strand). VCF-style: chr2-96285172-C-A. GRCh37 (hg19) VCF-style: chr2-96950910-C-A.
Other names: c.4164+8G>T (NM_014014.4).
Identifiers: ClinVar variation 1113885 (VCV001113885.10), dbSNP rs780753488, ClinGen allele CA1778290.